The following is an entry in ClinVar:

NM_001267550.2(TTN):c.107909C>T (p.Thr35970Ile)

Genes: TTN (titin; minus strand), TTN-AS1 (TTN antisense RNA 1; plus strand). Cytogenetic location: 2q31.2.
Variant type: single nucleotide variant.
Coding change: c.107909C>T on transcript NM_001267550.2 (MANE Select); coding-DNA position 107909, C replaced by T.
Protein change: p.Thr35970Ile; replaces threonine 35970 with isoleucine.
Molecular consequence: missense variant.
Genome position (GRCh38, 1-based): chr2:178,527,079, G>A on the plus strand (C>T on the coding strand, the complement: TTN is on the minus strand). VCF-style: chr2-178527079-G-A. GRCh37 (hg19) VCF-style: chr2-179391806-G-A.
Other names: c.102986C>T, p.Thr34329Ile (NM_001256850.1); c.80714C>T, p.Thr26905Ile (NM_003319.4); c.100205C>T, p.Thr33402Ile (NM_133378.4); c.81089C>T, p.Thr27030Ile (NM_133432.3); c.81290C>T, p.Thr27097Ile (NM_133437.4); short protein forms T33402I, T27030I, T27097I, T35970I, T26905I, T34329I.
Identifiers: ClinVar variation 1036246 (VCV001036246.5), dbSNP rs765869850, ClinGen allele CA349398371.

ClinVar aggregate classification (germline): Uncertain significance (1 of 4 stars; one submission).

Conditions:
Dilated cardiomyopathy 1G (CMD1G). Identifiers: Orphanet 154, MedGen C1858763, MONDO:0011400, OMIM 604145.
Autosomal recessive limb-girdle muscular dystrophy type 2J (LGMDR10). Also called: Limb-girdle muscular dystrophy, type 2J; MUSCULAR DYSTROPHY, LIMB-GIRDLE, AUTOSOMAL RECESSIVE 10. Identifiers: Orphanet 140922, MedGen C1837342, MONDO:0012127, OMIM 608807.

gnomAD v4.1: 3 of 1,613,930 alleles (0.00019%); highest among the groups gnomAD compares: Non-Finnish European, 0.00025%; no homozygotes.

Submission:

Labcorp Genetics (formerly Invitae), Labcorp
Classification: Uncertain significance for Dilated cardiomyopathy 1G; Autosomal recessive limb-girdle muscular dystrophy type 2J. Last evaluated: 2020-08-06. Review status: criteria provided, single submitter. Criteria: Invitae Variant Classification Sherloc (09022015). Collection method: clinical testing. Allele origin: germline.
Comment: This variant is located in the M band of TTN (PMID: 25589632). Variants in this region may be relevant for neuromuscular disorders, but have not been definitively shown to cause cardiomyopathy (PMID: 23975875). Algorithms developed to predict the effect of missense changes on protein structure and function are unavailable for the TTN gene. In summary, the available evidence is currently insufficient to determine the role of this variant in disease. Therefore, it has been classified as a Variant of Uncertain Significance. This variant has not been reported in the literature in individuals with TTN-related conditions. This variant is not present in population databases (ExAC no frequency). This sequence change replaces threonine with isoleucine at codon 35970 of the TTN protein (p.Thr35970Ile). There is a moderate physicochemical difference between threonine and isoleucine.

Literature cited by the submitters: PubMed 25589632; PubMed 23975875.